The following is an entry in ClinVar:

ClinVar aggregate classification (germline): Uncertain significance. Review status: criteria provided, multiple submitters, no conflicts (2 of 4 stars). 2 submissions from 2 submitters: Uncertain significance (2). Last evaluated 2026-02-16.

Conditions:
Inborn genetic diseases. Identifiers: MedGen C0950123, MeSH D030342.

gnomAD v4.1: 3 of 1,613,854 alleles (0.00019%); highest among the groups gnomAD compares: East Asian, 0.0045%; no homozygotes.

Submissions (2):

Ambry Genetics
Classification: Uncertain significance for Inborn genetic diseases. Last evaluated: 2026-02-16. Review status: criteria provided, single submitter. Criteria: Ambry Variant Classification Scheme 2023. Collection method: clinical testing. Allele origin: germline.
Comment: The p.C656S variant (also known as c.1966T>A), located in coding exon 1 of the SAMD9 gene, results from a T to A substitution at nucleotide position 1966. The cysteine at codon 656 is replaced by serine, an amino acid with dissimilar properties. This amino acid position is conserved. In addition, the in silico prediction for this alteration is inconclusive. Based on the available evidence, the clinical significance of this variant remains unclear.

Labcorp Genetics (formerly Invitae), Labcorp
Classification: Uncertain significance. Last evaluated: 2025-07-03. Review status: criteria provided, single submitter. Criteria: Invitae Variant Classification Sherloc (09022015). Collection method: clinical testing. Allele origin: germline.
Comment: This sequence change replaces cysteine, which is neutral and slightly polar, with serine, which is neutral and polar, at codon 656 of the SAMD9 protein (p.Cys656Ser). This variant is present in population databases (no rsID available, gnomAD 0.006%). This variant has not been reported in the literature in individuals affected with SAMD9-related conditions. Invitae Evidence Modeling of protein sequence and biophysical properties (such as structural, functional, and spatial information, amino acid conservation, physicochemical variation, residue mobility, and thermodynamic stability) has been performed for this missense variant. However, the output from this modeling did not meet the statistical confidence thresholds required to predict the impact of this variant on SAMD9 protein function. In summary, the available evidence is currently insufficient to determine the role of this variant in disease. Therefore, it has been classified as a Variant of Uncertain Significance.

NM_017654.4(SAMD9):c.1966T>A (p.Cys656Ser)

Gene: SAMD9 (sterile alpha motif domain containing 9; minus strand). Cytogenetic location: 7q21.2.
Variant type: single nucleotide variant.
Coding change: c.1966T>A on transcript NM_017654.4 (MANE Select); coding-DNA position 1966, T replaced by A.
Protein change: p.Cys656Ser; replaces cysteine 656 with serine.
Molecular consequence: missense variant.
Genome position (GRCh38, 1-based): chr7:93,104,132, A>T on the plus strand (T>A on the coding strand, the complement: SAMD9 is on the minus strand). VCF-style: chr7-93104132-A-T. GRCh37 (hg19) VCF-style: chr7-92733445-A-T.
Other names: c.1966T>A (NM_017654.3); c.1966T>A, p.Cys656Ser (NM_001193307.2); short protein forms C656S.
Identifiers: ClinVar variation 4767096 (VCV004767096.2).